The following is an entry in ClinVar:

NM_004336.5(BUB1):c.1549A>G (p.Asn517Asp)

Gene: BUB1 (BUB1 mitotic checkpoint serine/threonine kinase; minus strand). Cytogenetic location: 2q13.
Variant type: single nucleotide variant.
Coding change: c.1549A>G on transcript NM_004336.5 (MANE Select); coding-DNA position 1549, A replaced by G.
Protein change: p.Asn517Asp; replaces asparagine 517 with aspartic acid.
Molecular consequence: missense variant.
Genome position (GRCh38, 1-based): chr2:110,657,613, T>C on the plus strand (A>G on the coding strand, the complement: BUB1 is on the minus strand). VCF-style: chr2-110657613-T-C. GRCh37 (hg19) VCF-style: chr2-111415190-T-C.
Other names: c.1489A>G, p.Asn497Asp (NM_001278616.2); c.1549A>G, p.Asn517Asp (NM_001278617.2); short protein forms N497D, N517D.
Identifiers: ClinVar variation 1774991 (VCV001774991.3), dbSNP rs2468007619, ClinGen allele CA348212045.

ClinVar aggregate classification (germline): Uncertain significance (1 of 4 stars; one submission).

Submission:

Ambry Genetics
Classification: Uncertain significance. Last evaluated: 2024-04-12. Review status: criteria provided, single submitter. Criteria: Ambry Variant Classification Scheme 2023. Collection method: clinical testing. Allele origin: germline.
Comment: The p.N517D variant (also known as c.1549A>G), located in coding exon 14 of the BUB1 gene, results from an A to G substitution at nucleotide position 1549. The asparagine at codon 517 is replaced by aspartic acid, an amino acid with highly similar properties. This amino acid position is conserved. In addition, this alteration is predicted to be tolerated by in silico analysis. Since supporting evidence is limited at this time, the clinical significance of this alteration remains unclear.